The following is an entry in ClinVar:

NM_021224.6(ZNF462):c.410G>A (p.Gly137Glu)

Gene: ZNF462 (zinc finger protein 462; plus strand). Cytogenetic location: 9q31.2.
Variant type: single nucleotide variant.
Coding change: c.410G>A on transcript NM_021224.6 (MANE Select); coding-DNA position 410, G replaced by A.
Protein change: p.Gly137Glu; replaces glycine 137 with glutamic acid.
Molecular consequence: missense variant.
Genome position (GRCh38, 1-based): chr9:106,924,322, G>A. VCF-style: chr9-106924322-G-A. GRCh37 (hg19) VCF-style: chr9-109686603-G-A.
Other names: c.410G>A (NM_021224.4); c.410G>A, p.Gly137Glu (NM_001347997.2); short protein forms G137E.
Identifiers: ClinVar variation 2659363 (VCV002659363.25), dbSNP rs200191214, ClinGen allele CA5171144.

ClinVar aggregate classification (germline): Likely benign. Review status: criteria provided, multiple submitters, no conflicts (2 of 4 stars). 2 submissions from 2 submitters: Likely benign (2). Last evaluated 2024-01-22.

Conditions:
Inborn genetic diseases. Identifiers: MedGen C0950123, MeSH D030342.

Allele frequency attached by ClinVar (database versions not stated): gnomAD exomes 0.00006; gnomAD 0.00007; ExAC 0.00010; TOPMed 0.00010.
gnomAD v4.1: 106 of 1,613,954 alleles (0.0066%); highest among the groups gnomAD compares: Admixed American, 0.0083%; no homozygotes.

Submissions (2):

Ambry Genetics
Classification: Likely benign for Inborn genetic diseases. Last evaluated: 2024-01-22. Review status: criteria provided, single submitter. Criteria: Ambry Variant Classification Scheme 2023. Collection method: clinical testing. Allele origin: germline.

CeGaT Center for Human Genetics Tuebingen
Classification: Likely benign. Last evaluated: 2023-03-01. Review status: criteria provided, single submitter. Criteria: CeGaT Center For Human Genetics Tuebingen Variant Classification Criteria Version 2. Collection method: clinical testing. Allele origin: germline. Affected: yes. Observed: 1 variant allele.
Comment: ZNF462: BP4, BS2